The following is an entry in ClinVar:

NM_000387.6(SLC25A20):c.803G>C (p.Gly268Ala)

Gene: SLC25A20 (solute carrier family 25 member 20; minus strand). Cytogenetic location: 3p21.31.
Variant type: single nucleotide variant.
Coding change: c.803G>C on transcript NM_000387.6 (MANE Select); coding-DNA position 803, G replaced by C.
Protein change: p.Gly268Ala; replaces glycine 268 with alanine.
Molecular consequence: missense variant.
Genome position (GRCh38, 1-based): chr3:48,858,547, C>G on the plus strand (G>C on the coding strand, the complement: SLC25A20 is on the minus strand). VCF-style: chr3-48858547-C-G. GRCh37 (hg19) VCF-style: chr3-48895980-C-G.
Other names: short protein forms G268A.
Identifiers: ClinVar variation 2173688 (VCV002173688.1), dbSNP rs764658807, ClinGen allele CA2387288.

ClinVar aggregate classification (germline): Uncertain significance (1 of 4 stars; one submission).

Conditions:
Carnitine acylcarnitine translocase deficiency (CACTD). Identifiers: Orphanet 159, MedGen C0342791, MONDO:0008918, OMIM 212138.

Submission:

Labcorp Genetics (formerly Invitae), Labcorp
Classification: Uncertain significance for Carnitine acylcarnitine translocase deficiency. Last evaluated: 2022-05-09. Review status: criteria provided, single submitter. Criteria: Invitae Variant Classification Sherloc (09022015). Collection method: clinical testing. Allele origin: germline.
Comment: This sequence change replaces glycine, which is neutral and non-polar, with alanine, which is neutral and non-polar, at codon 268 of the SLC25A20 protein (p.Gly268Ala). This variant is present in population databases (rs764658807, gnomAD 0.006%). This variant has not been reported in the literature in individuals affected with SLC25A20-related conditions. Algorithms developed to predict the effect of missense changes on protein structure and function are either unavailable or do not agree on the potential impact of this missense change (SIFT: "Deleterious"; PolyPhen-2: "Probably Damaging"; Align-GVGD: "Class C0"). In summary, the available evidence is currently insufficient to determine the role of this variant in disease. Therefore, it has been classified as a Variant of Uncertain Significance.